The following is an entry in ClinVar:

NM_014714.4(IFT140):c.2800G>T (p.Val934Leu)

Genes: IFT140 (intraflagellar transport 140; minus strand), LOC126862260 (CDK7 strongly-dependent group 2 enhancer GRCh37_chr16:1574508-1575707; plus strand). Cytogenetic location: 16p13.3.
Variant type: single nucleotide variant.
Coding change: c.2800G>T on transcript NM_014714.4 (MANE Select); coding-DNA position 2800, G replaced by T.
Protein change: p.Val934Leu; replaces valine 934 with leucine.
Molecular consequence: missense variant.
Genome position (GRCh38, 1-based): chr16:1,525,295, C>A on the plus strand (G>T on the coding strand, the complement: IFT140 is on the minus strand). VCF-style: chr16-1525295-C-A. GRCh37 (hg19) VCF-style: chr16-1575296-C-A.
Other names: short protein forms V934L.
Identifiers: ClinVar variation 2044202 (VCV002044202.4), dbSNP rs1430154523, ClinGen allele CA394226835.

ClinVar aggregate classification (germline): Uncertain significance (1 of 4 stars; one submission).

Conditions:
Saldino-Mainzer syndrome (SRTD9). Also called: CONORENAL SYNDROME; Renal dysplasia, retinal pigmentary dystrophy, cerebellar ataxia and skeletal dysplasia; SHORT-RIB THORACIC DYSPLASIA 9 WITHOUT POLYDACTYLY; short-rib thoracic dysplasia 9 with or without polydactyly. Identifiers: Orphanet 140969, MedGen C1849437, MONDO:0009964, OMIM 266920.

gnomAD v4.1: 2 of 1,612,830 alleles (0.00012%); highest among the groups gnomAD compares: Non-Finnish European, 0.000085%; no homozygotes.

Submission:

Labcorp Genetics (formerly Invitae), Labcorp
Classification: Uncertain significance for Saldino-Mainzer syndrome. Last evaluated: 2022-04-16. Review status: criteria provided, single submitter. Criteria: Invitae Variant Classification Sherloc (09022015). Collection method: clinical testing. Allele origin: germline.
Comment: Algorithms developed to predict the effect of missense changes on protein structure and function are either unavailable or do not agree on the potential impact of this missense change (SIFT: "Deleterious"; PolyPhen-2: "Possibly Damaging"; Align-GVGD: "Class C0"). This sequence change replaces valine, which is neutral and non-polar, with leucine, which is neutral and non-polar, at codon 934 of the IFT140 protein (p.Val934Leu). This variant is not present in population databases (gnomAD no frequency). This variant has not been reported in the literature in individuals affected with IFT140-related conditions. In summary, the available evidence is currently insufficient to determine the role of this variant in disease. Therefore, it has been classified as a Variant of Uncertain Significance.